The following is an entry in ClinVar:

ClinVar aggregate classification (germline): Uncertain significance. Review status: criteria provided, multiple submitters, no conflicts (2 of 4 stars). 2 submissions from 2 submitters: Uncertain significance (2). Last evaluated 2023-02-15.

Conditions:
JAK2-related disorder. Also called: JAK2-related condition.

Submissions (2):

Labcorp Genetics (formerly Invitae), Labcorp
Classification: Uncertain significance. Last evaluated: 2023-02-15. Review status: criteria provided, single submitter. Criteria: Invitae Variant Classification Sherloc (09022015). Collection method: clinical testing. Allele origin: germline.
Comment: This variant has not been reported in the literature in individuals affected with JAK2-related conditions. Advanced modeling of protein sequence and biophysical properties (such as structural, functional, and spatial information, amino acid conservation, physicochemical variation, residue mobility, and thermodynamic stability) performed at Invitae indicates that this missense variant is not expected to disrupt JAK2 protein function. This sequence change replaces lysine, which is basic and polar, with asparagine, which is neutral and polar, at codon 469 of the JAK2 protein (p.Lys469Asn). This variant is not present in population databases (gnomAD no frequency). In summary, the available evidence is currently insufficient to determine the role of this variant in disease. Therefore, it has been classified as a Variant of Uncertain Significance.

PreventionGenetics, part of Exact Sciences
Classification: Uncertain significance for JAK2-related condition. Last evaluated: 2022-10-18. Review status: criteria provided, single submitter. Criteria: ACMG Guidelines, 2015. Collection method: clinical testing. Allele origin: germline.
Comment: The JAK2 c.1407G>T variant is predicted to result in the amino acid substitution p.Lys469Asn. To our knowledge, this variant has not been reported in the literature or in a large population database, indicating this variant is rare. At this time, the clinical significance of this variant is uncertain due to the absence of conclusive functional and genetic evidence.

NM_004972.4(JAK2):c.1407G>T (p.Lys469Asn)

Genes: INSL6 (insulin like 6; minus strand), JAK2 (Janus kinase 2; plus strand). Cytogenetic location: 9p24.1.
Variant type: single nucleotide variant.
Coding change: c.1407G>T on transcript NM_004972.4 (MANE Select); coding-DNA position 1407, G replaced by T.
Protein change: p.Lys469Asn; replaces lysine 469 with asparagine.
Molecular consequence: missense variant. On other transcripts: non-coding transcript variant (2).
Genome position (GRCh38, 1-based): chr9:5,069,102, G>T. VCF-style: chr9-5069102-G-T. GRCh37 (hg19) VCF-style: chr9-5069102-G-T.
Other names: c.1407G>T, p.Lys469Asn (NM_001322194.2, NM_001322195.2, NM_001322196.2); c.192G>T, p.Lys64Asn (NM_001322198.2, NM_001322199.2); c.960G>T, p.Lys320Asn (NM_001322204.2); short protein forms K320N, K469N, K64N.
Identifiers: ClinVar variation 2637003 (VCV002637003.4), dbSNP rs2489028248, ClinGen allele CA372824942.